The following is an entry in ClinVar:

NM_001376.5(DYNC1H1):c.8463C>T (p.Leu2821=)

Gene: DYNC1H1 (dynein cytoplasmic 1 heavy chain 1; plus strand). Cytogenetic location: 14q32.31.
Variant type: single nucleotide variant.
Coding change: c.8463C>T on transcript NM_001376.5 (MANE Select); coding-DNA position 8463, C replaced by T.
Protein change: p.Leu2821=; no amino-acid change (leucine 2821 retained).
Molecular consequence: synonymous variant.
Genome position (GRCh38, 1-based): chr14:102,020,012, C>T. VCF-style: chr14-102020012-C-T. GRCh37 (hg19) VCF-style: chr14-102486349-C-T.
Identifiers: ClinVar variation 4874109 (VCV004874109.2).

ClinVar aggregate classification (germline): Likely benign (1 of 4 stars; one submission).

Submission:

CeGaT Center for Human Genetics Tuebingen
Classification: Likely benign. Last evaluated: 2026-06-01. Review status: criteria provided, single submitter. Criteria: CeGaT Center For Human Genetics Tuebingen Variant Classification Criteria Version 2. Collection method: clinical testing. Allele origin: germline. Affected: yes. Observed: 1 variant allele.
Comment: DYNC1H1: PM2:Supporting, BP4, BP7